The following is an entry in ClinVar:

ClinVar aggregate classification (germline): Likely benign. Review status: criteria provided, multiple submitters, no conflicts (2 of 4 stars). 2 submissions from 2 submitters: Likely benign (2). Last evaluated 2025-04-01.

Conditions:
Spinocerebellar ataxia, autosomal recessive, with axonal neuropathy 2 (SCAN2). Also called: ATAXIA-OCULOMOTOR APRAXIA 2; Ataxia with Oculomotor Apraxia Type 2; Ataxia with Oculomotor Apraxia; Ataxia-ocular apraxia-2. Identifiers: Orphanet 64753, MedGen C1853761, MONDO:0018996, OMIM 606002.
Amyotrophic lateral sclerosis type 4 (ALS4). Also called: AMYOTROPHIC LATERAL SCLEROSIS 4, JUVENILE; NEURONOPATHY, DISTAL HEREDITARY MOTOR, WITH PYRAMIDAL FEATURES. Identifiers: Orphanet 357043, MedGen C1865409, MONDO:0011223, OMIM 602433.

Submissions (2):

CeGaT Center for Human Genetics Tuebingen
Classification: Likely benign. Last evaluated: 2025-04-01. Review status: criteria provided, single submitter. Criteria: CeGaT Center For Human Genetics Tuebingen Variant Classification Criteria Version 2. Collection method: clinical testing. Allele origin: germline. Affected: yes. Observed: 1 variant allele.
Comment: SETX: PM2:Supporting, BP4, BP7

Labcorp Genetics (formerly Invitae), Labcorp
Classification: Likely benign for Amyotrophic lateral sclerosis type 4; Spinocerebellar ataxia, autosomal recessive, with axonal neuropathy 2. Last evaluated: 2024-06-29. Review status: criteria provided, single submitter. Criteria: Invitae Variant Classification Sherloc (09022015). Collection method: clinical testing. Allele origin: germline.

NM_015046.7(SETX):c.7872C>T (p.Asp2624=)

Gene: SETX (senataxin; minus strand). Cytogenetic location: 9q34.13.
Variant type: single nucleotide variant.
Coding change: c.7872C>T on transcript NM_015046.7 (MANE Select); coding-DNA position 7872, C replaced by T.
Protein change: p.Asp2624=; no amino-acid change (aspartic acid 2624 retained).
Molecular consequence: synonymous variant.
Genome position (GRCh38, 1-based): chr9:132,264,401, G>A on the plus strand (C>T on the coding strand, the complement: SETX is on the minus strand). VCF-style: chr9-132264401-G-A. GRCh37 (hg19) VCF-style: chr9-135139788-G-A.
Other names: c.7872C>T, p.Asp2624= (NM_001351527.2); c.7959C>T, p.Asp2653= (NM_001351528.2).
Identifiers: ClinVar variation 3747943 (VCV003747943.9).